The following is an entry in ClinVar:

ClinVar aggregate classification (germline): Uncertain significance (1 of 4 stars; one submission).

Conditions:
Long QT syndrome (LQTS). Identifiers: MedGen C0023976, MeSH D008133, MONDO:0002442. Disease mechanism: loss of function. Inheritance: Various modes of inheritance.

Allele frequency attached by ClinVar (database versions not stated): gnomAD exomes below 0.00001 and 0.00001; ExAC 0.00001; TOPMed 0.00001; gnomAD 0.00002.
gnomAD v4.1: 9 of 1,613,914 alleles (0.00056%); highest among the groups gnomAD compares: South Asian, 0.0022%; no homozygotes.

Submission:

Labcorp Genetics (formerly Invitae), Labcorp
Classification: Uncertain significance for Long QT syndrome. Last evaluated: 2024-07-25. Review status: criteria provided, single submitter. Criteria: Invitae Variant Classification Sherloc (09022015). Collection method: clinical testing. Allele origin: germline.
Comment: This sequence change replaces serine, which is neutral and polar, with glycine, which is neutral and non-polar, at codon 3509 of the ANK2 protein (p.Ser3509Gly). This variant is present in population databases (rs776473130, gnomAD 0.006%). This variant has not been reported in the literature in individuals affected with ANK2-related conditions. ClinVar contains an entry for this variant (Variation ID: 951139). An algorithm developed to predict the effect of missense changes on protein structure and function (PolyPhen-2) suggests that this variant is likely to be disruptive. In summary, the available evidence is currently insufficient to determine the role of this variant in disease. Therefore, it has been classified as a Variant of Uncertain Significance.

NM_001148.6(ANK2):c.10525A>G (p.Ser3509Gly)

Gene: ANK2 (ankyrin 2; plus strand). Cytogenetic location: 4q26.
Variant type: single nucleotide variant.
Coding change: c.10525A>G on transcript NM_001148.6 (MANE Select); coding-DNA position 10525, A replaced by G.
Protein change: p.Ser3509Gly; replaces serine 3509 with glycine.
Molecular consequence: missense variant. On other transcripts: intron variant (68).
Genome position (GRCh38, 1-based): chr4:113,359,143, A>G. VCF-style: chr4-113359143-A-G. GRCh37 (hg19) VCF-style: chr4-114280299-A-G.
Other names: c.10291A>G, p.Ser3431Gly (NM_001386142.1); c.6925A>G, p.Ser2309Gly (NM_001386166.1); c.10666A>G, p.Ser3556Gly (NM_001386174.1); c.10642A>G, p.Ser3548Gly (NM_001386175.1); c.4412-1680A>G (NM_001386186.2, NM_001386148.2); c.4214-1680A>G (NM_001354269.3); c.4292-1680A>G (NM_001386187.2); c.4253-1680A>G (NM_001386147.1); and 35 more; short protein forms S3509G, S2309G, S3431G, S3548G, S3556G.
Identifiers: ClinVar variation 951139 (VCV000951139.6), dbSNP rs776473130, ClinGen allele CA3052081.